The following is an entry in ClinVar:

NM_003906.5(MCM3AP):c.2407G>A (p.Glu803Lys)

Gene: MCM3AP (minichromosome maintenance complex component 3 associated protein; minus strand). Cytogenetic location: 21q22.3.
Variant type: single nucleotide variant.
Coding change: c.2407G>A on transcript NM_003906.5 (MANE Select); coding-DNA position 2407, G replaced by A.
Protein change: p.Glu803Lys; replaces glutamic acid 803 with lysine.
Molecular consequence: missense variant.
Genome position (GRCh38, 1-based): chr21:46,272,619, C>T on the plus strand (G>A on the coding strand, the complement: MCM3AP is on the minus strand). VCF-style: chr21-46272619-C-T. GRCh37 (hg19) VCF-style: chr21-47692533-C-T.
Other names: c.2407G>A (NM_003906.3); short protein forms E803K.
Identifiers: ClinVar variation 1375669 (VCV001375669.10), dbSNP rs146488499, ClinGen allele CA10076825.

ClinVar aggregate classification (germline): Uncertain significance. Review status: criteria provided, multiple submitters, no conflicts (2 of 4 stars). 5 submissions from 5 submitters: Uncertain significance (5). Last evaluated 2025-10-23.

Conditions:
Peripheral neuropathy, autosomal recessive, with or without impaired intellectual development. Identifiers: MedGen C4748283, MONDO:0029131, OMIM 618124.
Inborn genetic diseases. Identifiers: MedGen C0950123, MeSH D030342.

Allele frequency attached by ClinVar (database versions not stated): ExAC 0.00003; gnomAD 0.00005 and 0.00006; ESP Exome Variant Server 0.00015; gnomAD exomes 0.00005 and 0.00010; TOPMed 0.00005.
gnomAD v4.1: 156 of 1,614,100 alleles (0.0097%); highest among the groups gnomAD compares: Non-Finnish European, 0.013%; no homozygotes.

Submissions (5):

GeneDx
Classification: Uncertain significance. Last evaluated: 2025-10-23. Review status: criteria provided, single submitter. Criteria: GeneDx Variant Classification Process June 2021. Collection method: clinical testing. Allele origin: germline. Affected: yes.
Comment: In silico analysis supports that this missense variant has a deleterious effect on protein structure/function; Has not been previously published as pathogenic or benign to our knowledge

Ambry Genetics
Classification: Uncertain significance for Inborn genetic diseases. Last evaluated: 2025-04-15. Review status: criteria provided, single submitter. Criteria: Ambry Variant Classification Scheme 2023. Collection method: clinical testing. Allele origin: germline.

Revvity Omics, Revvity
Classification: Uncertain significance for Peripheral neuropathy, autosomal recessive, with or without impaired intellectual development. Last evaluated: 2022-09-14. Review status: criteria provided, single submitter. Criteria: ACMG Guidelines, 2015. Collection method: clinical testing. Allele origin: germline.

Labcorp Genetics (formerly Invitae), Labcorp
Classification: Uncertain significance. Last evaluated: 2022-04-25. Review status: criteria provided, single submitter. Criteria: Invitae Variant Classification Sherloc (09022015). Collection method: clinical testing. Allele origin: germline.
Comment: This sequence change replaces glutamic acid, which is acidic and polar, with lysine, which is basic and polar, at codon 803 of the MCM3AP protein (p.Glu803Lys). This variant is present in population databases (rs146488499, gnomAD 0.01%). This variant has not been reported in the literature in individuals affected with MCM3AP-related conditions. Algorithms developed to predict the effect of missense changes on protein structure and function (SIFT, PolyPhen-2, Align-GVGD) all suggest that this variant is likely to be disruptive. In summary, the available evidence is currently insufficient to determine the role of this variant in disease. Therefore, it has been classified as a Variant of Uncertain Significance.

Division Of Personalized Genomic Medicine, Columbia University Irving Medical Center
Classification: Uncertain significance for Peripheral neuropathy, autosomal recessive, with or without impaired intellectual development. Last evaluated: 2021-04-23. Review status: criteria provided, single submitter. Criteria: ACMG Guidelines, 2015. Collection method: clinical testing. Allele origin: maternal. Inheritance: Autosomal recessive inheritance. Affected: yes. Observed: 1 compound heterozygote.
Comment: Variant in the MCM3AP gene, c.2407G>A is a missense variant, which results in a substitution of glutamine residue at the 803 position to lysine (p.Glu803Lys). This variant localizes to coding exon 8 of the MCM3AP gene (28 exons in total; NM_003906.5) and is within the Sac3 domain of the protein. It is predicted to be deleterious and damaging to protein structure and/or function based on in silico analyses (PROVEAN and SIFT). This variant has been observed inthe Genome Aggregation Database (gnomAD) at a very low frequency (14/282862, 0 homozygotes), indicating it is not acommon benign variant in the populations represented in this database. To the best of our knowledge, this specific variant has not been reported in the literature to be associated with disease. However, missense variants have been reported to cluster in the Sac3 domain (amino acid 366-990) (PMID: 29982295, 32202298).

Literature cited by the submitters: PubMed 29982295 (cited by Division Of Personalized Genomic Medicine, Columbia University Irving Medical Center); PubMed 32202298 (cited by Division Of Personalized Genomic Medicine, Columbia University Irving Medical Center).